The following is an entry in ClinVar:

ClinVar aggregate classification (germline): Likely pathogenic (1 of 4 stars; one submission).

Conditions:
Familial cancer of breast. Also called: hereditary breast carcinoma; Hereditary breast cancer; BREAST CANCER, FAMILIAL. Identifiers: Orphanet 227535, MedGen C0346153, MONDO:0016419, OMIM 114480. Disease mechanism: loss of function.

Submission:

KCCC/NGS Laboratory, Kuwait Cancer Control Center
Classification: Likely pathogenic for Familial cancer of breast. Last evaluated: 2023-07-18. Review status: criteria provided, single submitter. Criteria: ACMG Guidelines, 2015. Collection method: clinical testing. Allele origin: unknown. Inheritance: Autosomal dominant inheritance. Affected: yes. Observed: 1 heterozygote.
Comment: This sequence change creates a premature translational stop signal (p.Glu228SerfsTer46) in the BRIP1 gene. It is expected to disrupt of the BRIP1 protein. This variant is not present in population ( gnomAD )nor in our local database. It has been not previously reported in the literature in individuals affected with Breast and Ovarian, ClinVar does not contain an entry for this variant. This amino acid position not highly conserved (PhyloP=3.2) This variant disrupts a region of the BRIP1 protein(p.Glu228SerfsTer46) the truncated region contains 443 pathogenic variants. This suggests that this is a clinically significant region of the protein, and that variants that disrupt it are likely to be disease-causing. For these reasons, this variant has been classified as Likely Pathogenic.

NM_032043.3(BRIP1):c.681del (p.Glu228fs)

Gene: BRIP1 (BRCA1 interacting DNA helicase 1; minus strand). Cytogenetic location: 17q23.2.
Variant type: Deletion.
Coding change: c.681del on transcript NM_032043.3 (MANE Select); coding-DNA position 681, one base deleted (A; older notation c.681delA).
Protein change: p.Glu228fs; shifts the reading frame from glutamic acid 228.
Molecular consequence: frameshift variant.
Genome position (GRCh38, 1-based): chr17:61,808,704, T deleted on the plus strand (A on the coding strand, the reverse complement: BRIP1 is on the minus strand); the first of 2 consecutive T bases (chr17:61,808,704-61,808,705); deleting either gives the same sequence. VCF-style (leftmost placement, unchanged base first): chr17-61808703-CT-C. GRCh37 (hg19) VCF-style: chr17-59886064-CT-C.
Other names: c.681delA (NM_032043.2); short protein forms E228fs.
Identifiers: ClinVar variation 2572660 (VCV002572660.3), dbSNP rs2545199633, ClinGen allele CA2580613202.